The following is an entry in ClinVar:

NM_177438.3(DICER1):c.735-7delinsTTAA

Gene: DICER1 (dicer 1, ribonuclease III; minus strand). Cytogenetic location: 14q32.13.
Variant type: Indel.
Coding change: c.735-7delinsTTAA on transcript NM_177438.3 (MANE Select); 7 bases into the intron before coding-DNA position 735, G replaced by TTAA.
Molecular consequence: intron variant.
Genome position (GRCh38, 1-based): chr14:95,126,755, C replaced by TTAA on the plus strand (G replaced by TTAA on the coding strand, the reverse complement: DICER1 is on the minus strand). VCF-style: chr14-95126755-C-TTAA. GRCh37 (hg19) VCF-style: chr14-95593092-C-TTAA.
Other names: c.735-7delinsTTAA (NM_001291628.2, NM_030621.4, NM_001395677.1 and 14 more transcripts); c.330-7delinsTTAA (NM_001395690.1, NM_001395687.1, NM_001395689.1 and 3 more transcripts); c.453-7delinsTTAA (NM_001395686.1); c.168-7delinsTTAA (NM_001395691.1); c.-834-7delinsTTAA (NM_001395697.1).
Identifiers: ClinVar variation 2413058 (VCV002413058.3), dbSNP rs2543233077, ClinGen allele CA2580089187.

ClinVar aggregate classification (germline): Uncertain significance (1 of 4 stars; one submission).

Submission:

GeneDx
Classification: Uncertain significance. Last evaluated: 2022-07-29. Review status: criteria provided, single submitter. Criteria: GeneDx Variant Classification Process June 2021. Collection method: clinical testing. Allele origin: germline. Affected: yes.
Comment: Not observed at significant frequency in large population cohorts (gnomAD); Has not been previously published as pathogenic or benign to our knowledge; In-silico analysis is inconclusive as to whether the variant alters gene splicing. In the absence of RNA/functional studies, the actual effect of this sequence change is unknown.